The following is an entry in ClinVar:

ClinVar aggregate classification (germline): Uncertain significance (1 of 4 stars; one submission).

Allele frequency attached by ClinVar (database versions not stated): gnomAD exomes below 0.00001.
gnomAD v4.1: 3 of 1,613,610 alleles (0.00019%); highest among the groups gnomAD compares: African/African-American, 0.0027%; no homozygotes.

Submission:

Labcorp Genetics (formerly Invitae), Labcorp
Classification: Uncertain significance. Last evaluated: 2022-09-09. Review status: criteria provided, single submitter. Criteria: Invitae Variant Classification Sherloc (09022015). Collection method: clinical testing. Allele origin: germline.
Comment: This sequence change affects codon 1689 of the NIN mRNA. It is a 'silent' change, meaning that it does not change the encoded amino acid sequence of the NIN protein. It affects a nucleotide within the consensus splice site. This variant is not present in population databases (gnomAD no frequency). This variant has not been reported in the literature in individuals affected with NIN-related conditions. Algorithms developed to predict the effect of sequence changes on RNA splicing suggest that this variant is not likely to affect RNA splicing. In summary, the available evidence is currently insufficient to determine the role of this variant in disease. Therefore, it has been classified as a Variant of Uncertain Significance.

NM_020921.4(NIN):c.5065C>T (p.Leu1689=)

Genes: NIN (ninein; minus strand), LOC126861936 (BRD4-independent group 4 enhancer GRCh37_chr14:51210620-51211819; plus strand). Cytogenetic location: 14q22.1.
Variant type: single nucleotide variant.
Coding change: c.5065C>T on transcript NM_020921.4 (MANE Select); coding-DNA position 5065, C replaced by T.
Protein change: p.Leu1689=; no amino-acid change (leucine 1689 retained).
Molecular consequence: synonymous variant.
Genome position (GRCh38, 1-based): chr14:50,744,365, G>A on the plus strand (C>T on the coding strand, the complement: NIN is on the minus strand). VCF-style: chr14-50744365-G-A. GRCh37 (hg19) VCF-style: chr14-51211083-G-A.
Other names: c.2926C>T, p.Leu976= (NM_016350.5); c.5065C>T, p.Leu1689= (NM_182944.3, NM_182946.2).
Identifiers: ClinVar variation 2129281 (VCV002129281.4), dbSNP rs2041438734, ClinGen allele CA486357530.
Genomic context (GRCh38, chr14:50,744,365, plus strand): 5'-TGTAGCTTAGAACACTAGAGATTTTTTGCTGGAAGTCAGAGAGATCGGGACATCTGTGCA[G>A]CTGTAAGAGATAAACAAATGAGCCCTCCCATCACATCTCATGGCTGTAAGTACAAAGGGG-3'
Protein context (NP_065972.4, residues 1679-1699): LKDELEKMKQ[Leu1689=]HRCPDLSDFQ